The following is an entry in ClinVar:

ClinVar aggregate classification (germline): Uncertain significance (1 of 4 stars; one submission).

Conditions:
Psoriasis 2. Identifiers: MedGen C1864497, MONDO:0011269, OMIM 602723.
Pityriasis rubra pilaris (PRP). Also called: Pityriasis rubra pilaris--familial type. Identifiers: Orphanet 2897, MedGen C0032027, MONDO:0100017, OMIM 173200, MONDO:0008251.

Submission:

Labcorp Genetics (formerly Invitae), Labcorp
Classification: Uncertain significance for Pityriasis rubra pilaris; Psoriasis 2. Last evaluated: 2023-04-07. Review status: criteria provided, single submitter. Criteria: Invitae Variant Classification Sherloc (09022015). Collection method: clinical testing. Allele origin: germline.
Comment: In summary, the available evidence is currently insufficient to determine the role of this variant in disease. Therefore, it has been classified as a Variant of Uncertain Significance. Advanced modeling of protein sequence and biophysical properties (such as structural, functional, and spatial information, amino acid conservation, physicochemical variation, residue mobility, and thermodynamic stability) performed at Invitae indicates that this missense variant is expected to disrupt CARD14 protein function. This variant has not been reported in the literature in individuals affected with CARD14-related conditions. This variant is not present in population databases (gnomAD no frequency). This sequence change replaces glutamic acid, which is acidic and polar, with lysine, which is basic and polar, at codon 946 of the CARD14 protein (p.Glu946Lys).

NM_001366385.1(CARD14):c.2836G>A (p.Glu946Lys)

Genes: SGSH (N-sulfoglucosamine sulfohydrolase; minus strand), CARD14 (caspase recruitment domain family member 14; plus strand). Cytogenetic location: 17q25.3.
Variant type: single nucleotide variant.
Coding change: c.2836G>A on transcript NM_001366385.1 (MANE Select); coding-DNA position 2836, G replaced by A.
Protein change: p.Glu946Lys; replaces glutamic acid 946 with lysine.
Molecular consequence: missense variant. On other transcripts: non-coding transcript variant (1).
Genome position (GRCh38, 1-based): chr17:80,208,166, G>A. VCF-style: chr17-80208166-G-A. GRCh37 (hg19) VCF-style: chr17-78181965-G-A.
Other names: c.2836G>A, p.Glu946Lys (NM_024110.4); short protein forms E946K.
Identifiers: ClinVar variation 2946312 (VCV002946312.3), dbSNP rs752281368, ClinGen allele CA401357178.